The following is an entry in ClinVar:

NM_001197104.2(KMT2A):c.3705G>T (p.Lys1235Asn)

Gene: KMT2A (lysine methyltransferase 2A; plus strand). Cytogenetic location: 11q23.3.
Variant type: single nucleotide variant.
Coding change: c.3705G>T on transcript NM_001197104.2 (MANE Select); coding-DNA position 3705, G replaced by T.
Protein change: p.Lys1235Asn; replaces lysine 1235 with asparagine.
Molecular consequence: missense variant.
Genome position (GRCh38, 1-based): chr11:118,481,785, G>T. VCF-style: chr11-118481785-G-T. GRCh37 (hg19) VCF-style: chr11-118352500-G-T.
Other names: c.3804G>T, p.Lys1268Asn (NM_001412597.1); c.3705G>T, p.Lys1235Asn (NM_005933.4); short protein forms K1235N, K1268N.
Identifiers: ClinVar variation 2635593 (VCV002635593.1), dbSNP rs1950137302, ClinGen allele CA382827343.

ClinVar aggregate classification (germline): Uncertain significance (1 of 4 stars; one submission).

Conditions:
KMT2A-related disorder. Also called: KMT2A-related condition.

Submission:

PreventionGenetics, part of Exact Sciences
Classification: Uncertain significance for KMT2A-related condition. Last evaluated: 2022-12-01. Review status: criteria provided, single submitter. Criteria: ACMG Guidelines, 2015. Collection method: clinical testing. Allele origin: germline.
Comment: The KMT2A c.3705G>T variant is predicted to result in the amino acid substitution p.Lys1235Asn. To our knowledge, this variant has not been reported in the literature or in a large population database, indicating this variant is rare. At this time, the clinical significance of this variant is uncertain due to the absence of conclusive functional and genetic evidence.